The following is an entry in ClinVar:

ClinVar aggregate classification (germline): Uncertain significance (1 of 4 stars; one submission).

Conditions:
Hereditary cancer-predisposing syndrome. Also called: Neoplastic Syndromes, Hereditary; Tumor predisposition; Hereditary Cancer Syndrome; Hereditary neoplastic syndrome. Identifiers: Orphanet 140162, MedGen C0027672, MeSH D009386, MONDO:0015356.

Submission:

Ambry Genetics
Classification: Uncertain significance for Hereditary cancer-predisposing syndrome. Last evaluated: 2026-01-14. Review status: criteria provided, single submitter. Criteria: Ambry Variant Classification Scheme 2023. Collection method: clinical testing. Allele origin: germline.
Comment: The p.F743S variant (also known as c.2228T>C), located in coding exon 14 of the PTCH1 gene, results from a T to C substitution at nucleotide position 2228. The phenylalanine at codon 743 is replaced by serine, an amino acid with highly dissimilar properties. This amino acid position is conserved. In addition, this alteration is predicted to be deleterious by in silico analysis. Based on the available evidence, the clinical significance of this variant remains unclear.

NM_000264.5(PTCH1):c.2228T>C (p.Phe743Ser)

Genes: PTCH1 (patched 1; minus strand), LOC100507346 (uncharacterized LOC100507346; plus strand). Cytogenetic location: 9q22.32.
Variant type: single nucleotide variant.
Coding change: c.2228T>C on transcript NM_000264.5 (MANE Select); coding-DNA position 2228, T replaced by C.
Protein change: p.Phe743Ser; replaces phenylalanine 743 with serine.
Molecular consequence: missense variant. On other transcripts: non-coding transcript variant (2).
Genome position (GRCh38, 1-based): chr9:95,468,773, A>G on the plus strand (T>C on the coding strand, the complement: PTCH1 is on the minus strand). VCF-style: chr9-95468773-A-G. GRCh37 (hg19) VCF-style: chr9-98231055-A-G.
Other names: c.2030T>C, p.Phe677Ser (NM_001083602.3); c.2225T>C, p.Phe742Ser (NM_001083603.3); c.1775T>C, p.Phe592Ser (NM_001083604.3, NM_001083605.3, NM_001083606.3 and 1 more transcripts); c.2072T>C, p.Phe691Ser (NM_001354918.2); short protein forms F742S, F677S, F691S, F592S, F743S.
Identifiers: ClinVar variation 4825114 (VCV004825114.1).
Genomic context (GRCh38, chr9:95,468,773, plus strand): 5'-TTTGAAGACAGGAAGAGCCTTAAGTTGTGGCAGATTACCTTGGCTTTTGGTTTCAAGAGG[A>G]AAGGAGCATAGTGCTTCTCAGCAAAAGATGAGAGTGTCCACTTCGTACAGGGGGGCTCGA-3'
Protein context (NP_000255.2, residues 733-753): SSFAEKHYAP[Phe743Ser]LLKPKAKVVV